The following is an entry in ClinVar:

ClinVar aggregate classification (germline): Pathogenic/Likely pathogenic. Review status: criteria provided, multiple submitters, no conflicts (2 of 4 stars). 3 submissions from 3 submitters: Pathogenic (1); Likely pathogenic (2). Last evaluated 2024-02-17.

Conditions:
Retinitis pigmentosa 39 (RP39). Identifiers: Orphanet 791, MedGen C3151138, MONDO:0013436, OMIM 613809.
Usher syndrome type 2A. Also called: RETINAL DISEASE IN USHER SYNDROME TYPE IIA, MODIFIER OF; USHER SYNDROME, TYPE IIA. Identifiers: Orphanet 231178, Orphanet 886, MedGen C1848634, MONDO:0010169, OMIM 276901.

Submissions (3):

Labcorp Genetics (formerly Invitae), Labcorp
Classification: Pathogenic. Last evaluated: 2024-02-17. Review status: criteria provided, single submitter. Criteria: Invitae Variant Classification Sherloc (09022015). Collection method: clinical testing. Allele origin: germline.
Comment: This sequence change creates a premature translational stop signal (p.Lys757*) in the USH2A gene. It is expected to result in an absent or disrupted protein product. Loss-of-function variants in USH2A are known to be pathogenic (PMID: 10729113, 10909849, 20507924, 25649381). This variant is not present in population databases (gnomAD no frequency). This variant has not been reported in the literature in individuals affected with USH2A-related conditions. ClinVar contains an entry for this variant (Variation ID: 1726632). For these reasons, this variant has been classified as Pathogenic.

Baylor Genetics
Classification: Likely pathogenic for Retinitis pigmentosa 39. Last evaluated: 2023-02-25. Review status: criteria provided, single submitter. Criteria: ACMG Guidelines, 2015. Collection method: clinical testing. Allele origin: unknown.

Myriad Genetics, Inc.
Classification: Likely pathogenic for Usher syndrome type 2A. Last evaluated: 2021-12-29. Review status: criteria provided, single submitter. Criteria: Myriad Women's Health Autosomal Recessive and X-Linked Classification Criteria (2021). Collection method: clinical testing. Allele origin: unknown.
Comment: NM_206933.2(USH2A):c.2269A>T(K757*) is expected to be pathogenic in the context of USH2A-related disorders. This variant is predicted to lead to an abnormal or absent protein product due to the creation of a premature termination codon in USH2A, a gene where loss-of-function variants are known to be pathogenic. Please note: this variant was assessed in the context of healthy population screening.

Literature cited by the submitters: PubMed 10729113 (cited by Labcorp Genetics (formerly Invitae), Labcorp); PubMed 10909849 (cited by Labcorp Genetics (formerly Invitae), Labcorp); PubMed 20507924 (cited by Labcorp Genetics (formerly Invitae), Labcorp); PubMed 25649381 (cited by Labcorp Genetics (formerly Invitae), Labcorp).

NM_206933.4(USH2A):c.2269A>T (p.Lys757Ter)

Gene: USH2A (usherin; minus strand). Cytogenetic location: 1q41.
Variant type: single nucleotide variant.
Coding change: c.2269A>T on transcript NM_206933.4 (MANE Select); coding-DNA position 2269, A replaced by T.
Protein change: p.Lys757Ter; replaces lysine 757 with a stop codon.
Molecular consequence: nonsense.
Genome position (GRCh38, 1-based): chr1:216,247,125, T>A on the plus strand (A>T on the coding strand, the complement: USH2A is on the minus strand). VCF-style: chr1-216247125-T-A. GRCh37 (hg19) VCF-style: chr1-216420467-T-A.
Other names: c.2269A>T, p.Lys757Ter (NM_007123.6); short protein forms K757*.
Identifiers: ClinVar variation 1726632 (VCV001726632.5), dbSNP rs2528163570, ClinGen allele CA344865317.
Genomic context (GRCh38, chr1:216,247,125, plus strand): 5'-ACTGAAGTCCTTTGGCTTCTTTTTTGCACTCACACTGCCCAGAGTGAGGATTGCAGAATT[T>A]GTTCACTGAGCCATGGAGGTTACACTGGCAGGGCTCACATCCAACATCATTAAAGCTTCG-3'